The following is an entry in ClinVar:

ClinVar aggregate classification (germline): Conflicting classifications of pathogenicity. Review status: criteria provided, conflicting classifications (1 of 4 stars). 3 submissions from 3 submitters: Uncertain significance (2); Likely benign (1). Last evaluated 2023-08-22.

Allele frequency attached by ClinVar (database versions not stated): gnomAD exomes 0.00001 and 0.00002; ExAC 0.00002; gnomAD 0.00003; TOPMed 0.00003; ESP Exome Variant Server 0.00008.
gnomAD v4.1: 17 of 1,613,914 alleles (0.0011%); highest among the groups gnomAD compares: African/African-American, 0.0013%; no homozygotes.

Submissions (3):

Blueprint Genetics
Classification: Uncertain significance. Last evaluated: 2023-08-22. Review status: criteria provided, single submitter. Criteria: ACMG Guidelines, 2015. Collection method: clinical testing. Allele origin: germline.

GeneDx
Classification: Uncertain significance. Last evaluated: 2023-01-19. Review status: criteria provided, single submitter. Criteria: GeneDx Variant Classification Process June 2021. Collection method: clinical testing. Allele origin: germline. Affected: yes.
Comment: In silico analysis supports that this missense variant does not alter protein structure/function; Has not been previously published as pathogenic or benign to our knowledge

Laboratory for Molecular Medicine, Mass General Brigham Personalized Medicine
Classification: Likely benign. Last evaluated: 2019-04-19. Review status: criteria provided, single submitter. Criteria: LMM Criteria. Collection method: clinical testing. Allele origin: germline. Observed: 1 variant allele.
Comment: The p.Asn312Lys variant in TMC1 is classified as likely benign due to a lack of conservation across species. Four mammals (elephant, Cape elephant shrew, Cape golden mole, and aardvark) carry a lysine (Lys) at this position despite high nearby amino acid conservation. ACMG/AMP Criteria applied: BP4_Strong.

NM_138691.3(TMC1):c.936T>G (p.Asn312Lys)

Gene: TMC1 (transmembrane channel like 1; plus strand). Cytogenetic location: 9q21.13.
Variant type: single nucleotide variant.
Coding change: c.936T>G on transcript NM_138691.3 (MANE Select); coding-DNA position 936, T replaced by G.
Protein change: p.Asn312Lys; replaces asparagine 312 with lysine.
Molecular consequence: missense variant.
Genome position (GRCh38, 1-based): chr9:72,788,390, T>G. VCF-style: chr9-72788390-T-G. GRCh37 (hg19) VCF-style: chr9-75403306-T-G.
Other names: short protein forms N312K.
Identifiers: ClinVar variation 930052 (VCV000930052.11), dbSNP rs148443938, ClinGen allele CA5081834.